The following is an entry in ClinVar:

NM_003190.5(TAPBP):c.623G>T (p.Arg208Leu)

Gene: TAPBP (TAP binding protein; minus strand). Cytogenetic location: 6p21.32.
Variant type: single nucleotide variant.
Coding change: c.623G>T on transcript NM_003190.5 (MANE Select); coding-DNA position 623, G replaced by T.
Protein change: p.Arg208Leu; replaces arginine 208 with leucine.
Molecular consequence: missense variant.
Genome position (GRCh38, 1-based): chr6:33,305,234, C>A on the plus strand (G>T on the coding strand, the complement: TAPBP is on the minus strand). VCF-style: chr6-33305234-C-A. GRCh37 (hg19) VCF-style: chr6-33273011-C-A.
Other names: c.623G>T, p.Arg208Leu (NM_001410875.1, NM_172208.3); c.362G>T, p.Arg121Leu (NM_172209.3); short protein forms R121L, R208L.
Identifiers: ClinVar variation 4702023 (VCV004702023.1).
Genomic context (GRCh38, chr6:33,305,234, plus strand): 5'-ATCTGGCCATTCAGCCCAGGAGTTGCAGCCAGGAGCAGATGTCCCTTACCCAGGTGCTGG[C>A]GTCGCCACTCTAGCCCAAAGGGAGGGGGACCCGGAGCCAGAGATGAGGCGGCCTCGGAGG-3'
Protein context (NP_003181.3, residues 198-218): GPPPFGLEWR[Arg208Leu]QHLGKGHLLL

ClinVar aggregate classification (germline): Uncertain significance (1 of 4 stars; one submission).

Conditions:
MHC class I deficiency. Identifiers: Orphanet 34592, MedGen C6024714, MONDO:0011476.

Submission:

Labcorp Genetics (formerly Invitae), Labcorp
Classification: Uncertain significance for MHC class I deficiency 1. Last evaluated: 2025-04-27. Review status: criteria provided, single submitter. Criteria: Invitae Variant Classification Sherloc (09022015). Collection method: clinical testing. Allele origin: germline.
Comment: This sequence change replaces arginine, which is basic and polar, with leucine, which is neutral and non-polar, at codon 208 of the TAPBP protein (p.Arg208Leu). This variant is not present in population databases (gnomAD no frequency). This variant has not been reported in the literature in individuals affected with TAPBP-related conditions. An algorithm developed to predict the effect of missense changes on protein structure and function (PolyPhen-2) suggests that this variant is likely to be disruptive. In summary, the available evidence is currently insufficient to determine the role of this variant in disease. Therefore, it has been classified as a Variant of Uncertain Significance.